The following is an entry in ClinVar:

NM_005787.6(ALG3):c.296+5G>A

Gene: ALG3 (ALG3 alpha-1,3- mannosyltransferase; minus strand). Cytogenetic location: 3q27.1.
Variant type: single nucleotide variant.
Coding change: c.296+5G>A on transcript NM_005787.6 (MANE Select); 5 bases into the intron after coding-DNA position 296, G replaced by A.
Molecular consequence: intron variant.
Genome position (GRCh38, 1-based): chr3:184,245,708, C>T on the plus strand (G>A on the coding strand, the complement: ALG3 is on the minus strand). VCF-style: chr3-184245708-C-T. GRCh37 (hg19) VCF-style: chr3-183963496-C-T.
Other names: c.152+5G>A (NM_001006941.2).
Identifiers: ClinVar variation 1031574 (VCV001031574.1), dbSNP rs1719108178, ClinGen allele CA1425931316.

ClinVar aggregate classification (germline): Uncertain significance (1 of 4 stars; one submission).

Conditions:
ALG3-congenital disorder of glycosylation. Also called: CONGENITAL DISORDER OF GLYCOSYLATION, TYPE Id; CARBOHYDRATE-DEFICIENT GLYCOPROTEIN SYNDROME, TYPE IV; CDGS, TYPE IV; CDG Id; ALG3-CDG. Identifiers: Orphanet 79321, MedGen C1832736, MONDO:0010998, OMIM 601110.

Submission:

Baylor Genetics
Classification: Uncertain significance for ALG3-congenital disorder of glycosylation. Last evaluated: 2018-10-31. Review status: criteria provided, single submitter. Criteria: ACMG Guidelines, 2015. Collection method: clinical testing. Allele origin: maternal. Affected: yes.
Comment: This variant was determined to be of uncertain significance according to ACMG Guidelines, 2015 [PMID:25741868].